The following is an entry in ClinVar:

ClinVar aggregate classification (germline): Conflicting classifications of pathogenicity. Review status: criteria provided, conflicting classifications (1 of 4 stars). 4 submissions from 3 submitters: Uncertain significance (2); Likely benign (2). Last evaluated 2023-10-26.

Conditions:
RYR1-related disorder. Also called: RYR1-related condition; RYR1-related disorders. Identifiers: MedGen CN239331.
Congenital multicore myopathy with external ophthalmoplegia (CMYO1B). Also called: MULTICORE MYOPATHY; Minicore myopathy with external ophthalmoplegia; Congenital myopathy 1B, autosomal recessive; Minicore myopathy; MULTIMINICORE DISEASE WITH EXTERNAL OPHTHALMOPLEGIA. Identifiers: Orphanet 598, Orphanet 98905, MedGen C1850674, MONDO:0009712, OMIM 255320, HP:0003789.
Malignant hyperthermia, susceptibility to, 1 (MHS1). Also called: Anesthesia related hyperthermia; Malignant hyperpyrexia; Fulminating hyperpyrexia; Pharmacogenic myopathy; RYR1-Related Malignant Hyperthermia Susceptibility; Malignant hyperthermia suceptibility 1. Identifiers: Orphanet 423, MedGen C2930980, MONDO:0007783, OMIM 145600.

Submissions (4):

Labcorp Genetics (formerly Invitae), Labcorp
Classification: Likely benign for RYR1-related disorder. Last evaluated: 2023-10-26. Review status: criteria provided, single submitter. Criteria: Invitae Variant Classification Sherloc (09022015). Collection method: clinical testing. Allele origin: germline.

All of Us Research Program, National Institutes of Health
Classification: Likely benign for Malignant hyperthermia, susceptibility to, 1. Last evaluated: 2023-02-15. Review status: criteria provided, single submitter. Criteria: ACMG Guidelines, 2015. Collection method: clinical testing. Allele origin: germline. Inheritance: Autosomal dominant inheritance. Observed: 1 variant allele, 1 heterozygote.
Comment: This study involves interpretation of variants in research participants for the purpose of population health screening. Participant phenotype was not available at the time of variant classification. Additional details can be found in publication PMID: 35346344, PMCID: PMC8962531

Illumina Laboratory Services, Illumina
Classification: Uncertain significance for Malignant hyperthermia, susceptibility to, 1. Last evaluated: 2018-01-12. Review status: criteria provided, single submitter. Criteria: ICSL Variant Classification Criteria 13 December 2019. Collection method: clinical testing. Allele origin: germline.

Illumina Laboratory Services, Illumina
Classification: Uncertain significance for Congenital multicore myopathy with external ophthalmoplegia. Last evaluated: 2018-01-12. Review status: criteria provided, single submitter. Criteria: ICSL Variant Classification Criteria 13 December 2019. Collection method: clinical testing. Allele origin: germline.

NM_000540.3(RYR1):c.13551C>T (p.Pro4517=)

Gene: RYR1 (ryanodine receptor 1; plus strand). Cytogenetic location: 19q13.2.
Variant type: single nucleotide variant.
Coding change: c.13551C>T on transcript NM_000540.3 (MANE Select); coding-DNA position 13551, C replaced by T.
Protein change: p.Pro4517=; no amino-acid change (proline 4517 retained).
Molecular consequence: synonymous variant.
Genome position (GRCh38, 1-based): chr19:38,567,809, C>T. VCF-style: chr19-38567809-C-T. GRCh37 (hg19) VCF-style: chr19-39058449-C-T.
Other names: c.13536C>T, p.Pro4512= (NM_001042723.2).
Identifiers: ClinVar variation 329130 (VCV000329130.10), dbSNP rs886054410, ClinGen allele CA10651894.